The following is an entry in ClinVar:

ClinVar aggregate classification (germline): Uncertain significance (1 of 4 stars; one submission).

Conditions:
Hereditary cancer-predisposing syndrome. Also called: Neoplastic Syndromes, Hereditary; Tumor predisposition; Hereditary Cancer Syndrome; Hereditary neoplastic syndrome. Identifiers: Orphanet 140162, MedGen C0027672, MeSH D009386, MONDO:0015356.

Submission:

Ambry Genetics
Classification: Uncertain significance for Hereditary cancer-predisposing syndrome. Last evaluated: 2022-03-03. Review status: criteria provided, single submitter. Criteria: Ambry Variant Classification Scheme 2023. Collection method: clinical testing. Allele origin: germline.
Comment: The c.3507delG variant, located in coding exon 16 of the MET gene, results from a deletion of one nucleotide at nucleotide position 3507, causing a translational frameshift with a predicted alternate stop codon (p.S1170Lfs*9). This alteration is expected to result in premature protein truncation or nonsense-mediated mRNA decay. However, loss of function of MET has not been clearly established as a mechanism of disease. Since supporting evidence is limited at this time, the clinical significance of this alteration remains unclear.

NM_000245.4(MET):c.3453del (p.Ser1152fs)

Gene: MET (MET proto-oncogene, receptor tyrosine kinase; plus strand). Cytogenetic location: 7q31.2.
Variant type: Deletion.
Coding change: c.3453del on transcript NM_000245.4 (MANE Select); coding-DNA position 3453, one base deleted (G; older notation c.3453delG).
Protein change: p.Ser1152fs; shifts the reading frame from serine 1152.
Molecular consequence: frameshift variant.
Genome position (GRCh38, 1-based): chr7:116,778,888, G deleted; the last of 3 consecutive G bases (chr7:116,778,886-116,778,888); deleting any one gives the same sequence. VCF-style (leftmost placement, unchanged base first): chr7-116778885-AG-A. GRCh37 (hg19) VCF-style: chr7-116418939-AG-A.
Other names: c.3507del, p.Ser1170fs (NM_001127500.3); c.2163del, p.Ser722fs (NM_001324402.2); short protein forms S1152fs, S1170fs, S722fs.
Identifiers: ClinVar variation 1732124 (VCV001732124.2), dbSNP rs2485822039, ClinGen allele CA2580076271.